The following is an entry in ClinVar:

ClinVar aggregate classification (germline): Uncertain significance (1 of 4 stars; one submission).

Submission:

GeneDx
Classification: Uncertain significance. Last evaluated: 2024-12-20. Review status: criteria provided, single submitter. Criteria: GeneDx Variant Classification Process June 2021. Collection method: clinical testing. Allele origin: germline. Affected: yes.
Comment: Not observed at significant frequency in large population cohorts (gnomAD); In silico analysis supports a deleterious effect on splicing; In silico analysis indicates that this missense variant does not alter protein structure/function; Has not been previously published as pathogenic or benign to our knowledge

NM_177438.3(DICER1):c.2224T>G (p.Ser742Ala)

Gene: DICER1 (dicer 1, ribonuclease III; minus strand). Cytogenetic location: 14q32.13.
Variant type: single nucleotide variant.
Coding change: c.2224T>G on transcript NM_177438.3 (MANE Select); coding-DNA position 2224, T replaced by G.
Protein change: p.Ser742Ala; replaces serine 742 with alanine.
Molecular consequence: missense variant. On other transcripts: non-coding transcript variant (6).
Genome position (GRCh38, 1-based): chr14:95,111,349, A>C on the plus strand (T>G on the coding strand, the complement: DICER1 is on the minus strand). VCF-style: chr14-95111349-A-C. GRCh37 (hg19) VCF-style: chr14-95577686-A-C.
Other names: c.2224T>G, p.Ser742Ala (NM_001195573.1, NM_001271282.3, NM_001291628.2 and 12 more transcripts); c.1942T>G, p.Ser648Ala (NM_001395686.1); c.1819T>G, p.Ser607Ala (NM_001395687.1, NM_001395688.1, NM_001395689.1 and 3 more transcripts); c.1657T>G, p.Ser553Ala (NM_001395691.1); c.541T>G, p.Ser181Ala (NM_001395697.1); short protein forms S181A, S553A, S607A, S648A, S742A.
Identifiers: ClinVar variation 3906363 (VCV003906363.1).
Genomic context (GRCh38, chr14:95,111,349, plus strand): 5'-TTTTTACTCTGTTCTAACCAATACTAACTGCTTTTGGGTAGCACTGCCTTCGTTTCGTGG[A>C]ACCTGGTCTTCCTGGAACACTGGTCTCTTCTTCATCATGCAAATCAAGCTCCTCTTCATA-3'
Protein context (NP_803187.1, residues 732-752): EETSVPGRPG[Ser742Ala]TKRRQCYPKA